The following is an entry in ClinVar:

NM_000843.4(GRM6):c.1533C>T (p.His511=)

Genes: GRM6 (glutamate metabotropic receptor 6; minus strand), ZNF454 (zinc finger protein 454; plus strand). Cytogenetic location: 5q35.3.
Variant type: single nucleotide variant.
Coding change: c.1533C>T on transcript NM_000843.4 (MANE Select); coding-DNA position 1533, C replaced by T.
Protein change: p.His511=; no amino-acid change (histidine 511 retained).
Molecular consequence: synonymous variant.
Genome position (GRCh38, 1-based): chr5:178,986,721, G>A on the plus strand (C>T on the coding strand, the complement: GRM6 is on the minus strand). VCF-style: chr5-178986721-G-A. GRCh37 (hg19) VCF-style: chr5-178413722-G-A.
Identifiers: ClinVar variation 522285 (VCV000522285.24), dbSNP rs61733043, ClinGen allele CA3594006.

ClinVar aggregate classification (germline): Benign/Likely benign. Review status: criteria provided, multiple submitters, no conflicts (2 of 4 stars). 5 submissions from 5 submitters: Benign (3); Likely benign (1). 1 of the submissions does not count toward it. Last evaluated 2026-02-02.

Conditions:
Congenital stationary night blindness 1B. Also called: Night blindness, congenital stationary (complete), 1B, autosomal recessive; NIGHT BLINDNESS, CONGENITAL STATIONARY, COMPLETE, AUTOSOMAL RECESSIVE. Identifiers: Orphanet 215, MedGen C1850362, MONDO:0009758, OMIM 257270.

Allele frequency attached by ClinVar (database versions not stated): gnomAD exomes 0.00252 and 0.00274; ExAC 0.00284; 1000 Genomes Project 0.00399; 1000 Genomes Project 30x 0.00437; gnomAD 0.00476 and 0.00512; ESP Exome Variant Server 0.00492; TOPMed 0.00542.
gnomAD v4.1: 4,704 of 1,605,144 alleles (0.29%); highest among the groups gnomAD compares: African/African-American, 1.3%; 15 homozygotes.

Submissions (5):

Labcorp Genetics (formerly Invitae), Labcorp
Classification: Benign. Last evaluated: 2026-02-02. Review status: criteria provided, single submitter. Criteria: Invitae Variant Classification Sherloc (09022015). Collection method: clinical testing. Allele origin: germline.

CeGaT Center for Human Genetics Tuebingen
Classification: Benign. Last evaluated: 2025-06-01. Review status: criteria provided, single submitter. Criteria: CeGaT Center For Human Genetics Tuebingen Variant Classification Criteria Version 2. Collection method: clinical testing. Allele origin: germline. Affected: yes. Observed: 1 variant allele.
Comment: GRM6: BP4, BP7, BS1, BS2

Blueprint Genetics
Classification: Likely benign. Last evaluated: 2024-11-20. Review status: criteria provided, single submitter. Criteria: ACMG Guidelines, 2015. Collection method: clinical testing. Allele origin: germline.

Clinical Genetics DNA and cytogenetics Diagnostics Lab, Erasmus MC, Erasmus Medical Center
Classification: Benign for Congenital stationary night blindness 1B. Last evaluated: 2017-09-26. Review status: criteria provided, single submitter. Criteria: ACGS Guidelines, 2013. Collection method: clinical testing. Allele origin: germline. Affected: yes. Study: VKGL Data-share Consensus.

Clinical Genetics, Academic Medical Center
Classification: Likely benign. Review status: no assertion criteria provided. Collection method: clinical testing. Allele origin: germline. Affected: yes. Study: VKGL Data-share Consensus. Not counted in ClinVar's aggregate classification.